The following is an entry in ClinVar:

ClinVar aggregate classification (germline): Uncertain significance (1 of 4 stars; one submission).

Allele frequency attached by ClinVar (database versions not stated): TOPMed 0.00002; ExAC 0.00003; gnomAD exomes 0.00003 and 0.00007; ESP Exome Variant Server 0.00008; gnomAD 0.00001.
gnomAD v4.1: 47 of 1,613,756 alleles (0.0029%); highest among the groups gnomAD compares: Non-Finnish European, 0.00076%; no homozygotes.

Submission:

Labcorp Genetics (formerly Invitae), Labcorp
Classification: Uncertain significance. Last evaluated: 2025-02-24. Review status: criteria provided, single submitter. Criteria: Invitae Variant Classification Sherloc (09022015). Collection method: clinical testing. Allele origin: germline.
Comment: This sequence change replaces lysine, which is basic and polar, with glutamic acid, which is acidic and polar, at codon 247 of the DISP1 protein (p.Lys247Glu). This variant is present in population databases (rs139954139, gnomAD 0.1%). This variant has not been reported in the literature in individuals affected with DISP1-related conditions. ClinVar contains an entry for this variant (Variation ID: 1504483). An algorithm developed to predict the effect of missense changes on protein structure and function (PolyPhen-2) suggests that this variant is likely to be disruptive. In summary, the available evidence is currently insufficient to determine the role of this variant in disease. Therefore, it has been classified as a Variant of Uncertain Significance.

NM_001377229.1(DISP1):c.739A>G (p.Lys247Glu)

Gene: DISP1 (dispatched RND transporter family member 1; plus strand). Cytogenetic location: 1q41.
Variant type: single nucleotide variant.
Coding change: c.739A>G on transcript NM_001377229.1 (MANE Select); coding-DNA position 739, A replaced by G.
Protein change: p.Lys247Glu; replaces lysine 247 with glutamic acid.
Molecular consequence: missense variant. On other transcripts: 5 prime UTR variant (1).
Genome position (GRCh38, 1-based): chr1:222,991,595, A>G. VCF-style: chr1-222991595-A-G. GRCh37 (hg19) VCF-style: chr1-223164937-A-G.
Other names: c.-149A>G (NM_001350630.2); c.739A>G, p.Lys247Glu (NM_001369594.1, NM_001377228.1, NM_032890.5); short protein forms K247E.
Identifiers: ClinVar variation 1504483 (VCV001504483.6), dbSNP rs139954139, ClinGen allele CA1408892.
Genomic context (GRCh38, chr1:222,991,595, plus strand): 5'-GGAACAGCAATAGGCCAGAGATTGGTCACATGGAATAATATGGTGAAAAATACAGGATAC[A>G]AAGCAACATTAGCAAATTATCCCTTTAAATATGCAGATGAACAAGCCAAAAGGTAATCAA-3'
Protein context (NP_001364158.1, residues 237-257): WNNMVKNTGY[Lys247Glu]ATLANYPFKY